The following is an entry in ClinVar:

ClinVar aggregate classification (germline): Uncertain significance (1 of 4 stars; one submission).

Conditions:
Camptomelic dysplasia (CMPD). Also called: Campomelic Dysplasia; CMPD1/SRA1. Identifiers: Orphanet 140, MedGen C1861922, MONDO:0007251, OMIM 114290.

Submission:

Labcorp Genetics (formerly Invitae), Labcorp
Classification: Uncertain significance for Camptomelic dysplasia. Last evaluated: 2025-05-19. Review status: criteria provided, single submitter. Criteria: Invitae Variant Classification Sherloc (09022015). Collection method: clinical testing. Allele origin: germline.
Comment: This sequence change replaces glycine, which is neutral and non-polar, with serine, which is neutral and polar, at codon 332 of the SOX9 protein (p.Gly332Ser). This variant is present in population databases (rs747845908, gnomAD 0.007%). This variant has not been reported in the literature in individuals affected with SOX9-related conditions. Invitae Evidence Modeling of protein sequence and biophysical properties (such as structural, functional, and spatial information, amino acid conservation, physicochemical variation, residue mobility, and thermodynamic stability) indicates that this missense variant is not expected to disrupt SOX9 protein function with a negative predictive value of 95%. In summary, the available evidence is currently insufficient to determine the role of this variant in disease. Therefore, it has been classified as a Variant of Uncertain Significance.

NM_000346.4(SOX9):c.994G>A (p.Gly332Ser)

Gene: SOX9 (SRY-box transcription factor 9; plus strand). Cytogenetic location: 17q24.3.
Variant type: single nucleotide variant.
Coding change: c.994G>A on transcript NM_000346.4 (MANE Select); coding-DNA position 994, G replaced by A.
Protein change: p.Gly332Ser; replaces glycine 332 with serine.
Molecular consequence: missense variant.
Genome position (GRCh38, 1-based): chr17:72,123,851, G>A. VCF-style: chr17-72123851-G-A. GRCh37 (hg19) VCF-style: chr17-70119992-G-A.
Other names: short protein forms G332S.
Identifiers: ClinVar variation 4797863 (VCV004797863.1).